The following is an entry in ClinVar:

ClinVar aggregate classification (germline): Uncertain significance (1 of 4 stars; one submission).

Submission:

Labcorp Genetics (formerly Invitae), Labcorp
Classification: Uncertain significance. Last evaluated: 2023-12-20. Review status: criteria provided, single submitter. Criteria: Invitae Variant Classification Sherloc (09022015). Collection method: clinical testing. Allele origin: germline.
Comment: This variant, c.3522_3524del, results in the deletion of 1 amino acid(s) of the ALPK1 protein (p.Val1176del), but otherwise preserves the integrity of the reading frame. This variant is not present in population databases (gnomAD no frequency). This variant has not been reported in the literature in individuals affected with ALPK1-related conditions. Experimental studies and prediction algorithms are not available or were not evaluated, and the functional significance of this variant is currently unknown. In summary, the available evidence is currently insufficient to determine the role of this variant in disease. Therefore, it has been classified as a Variant of Uncertain Significance.

NM_025144.4(ALPK1):c.3519TGT[1] (p.Val1176del)

Gene: ALPK1 (alpha kinase 1; plus strand). Cytogenetic location: 4q25.
Variant type: Microsatellite.
Coding change: c.3519TGT[1] on transcript NM_025144.4 (MANE Select); one copy of the 3-base unit TGT starting at c.3519; the reference has two copies in a row; one copy, 3 bases deleted.
Protein change: p.Val1176del; deletes valine 1176.
Molecular consequence: inframe deletion.
Genome position (GRCh38, 1-based): chr4:112,439,856-112,439,858, TGT deleted; deleting any 3 consecutive bases within chr4:112,439,853-112,439,858 gives the same sequence; the position shown is the placement nearest the transcript's 3' end. VCF-style (leftmost placement, unchanged base first): chr4-112439852-ATGT-A. GRCh37 (hg19) VCF-style: chr4-113361008-ATGT-A.
Other names: c.3519TGT[1], p.Val1176del (NM_001102406.2); c.3285TGT[1], p.Val1098del (NM_001253884.2); short protein forms V1176del, V1098del.
Identifiers: ClinVar variation 2819703 (VCV002819703.3), dbSNP rs1734957166, ClinGen allele CA1485953844.